The following is an entry in ClinVar:

NM_000540.3(RYR1):c.12271G>C (p.Asp4091His)

Gene: RYR1 (ryanodine receptor 1; plus strand). Cytogenetic location: 19q13.2.
Variant type: single nucleotide variant.
Coding change: c.12271G>C on transcript NM_000540.3 (MANE Select); coding-DNA position 12271, G replaced by C.
Protein change: p.Asp4091His; replaces aspartic acid 4091 with histidine.
Molecular consequence: missense variant.
Genome position (GRCh38, 1-based): chr19:38,548,409, G>C. VCF-style: chr19-38548409-G-C. GRCh37 (hg19) VCF-style: chr19-39039049-G-C.
Other names: c.12256G>C, p.Asp4086His (NM_001042723.2); short protein forms D4086H, D4091H.
Identifiers: ClinVar variation 4782283 (VCV004782283.1).

ClinVar aggregate classification (germline): Uncertain significance (1 of 4 stars; one submission).

Conditions:
RYR1-related disorder. Also called: RYR1-related condition; RYR1-related disorders. Identifiers: MedGen CN239331.

Submission:

Labcorp Genetics (formerly Invitae), Labcorp
Classification: Uncertain significance for RYR1-related disorder. Last evaluated: 2025-03-27. Review status: criteria provided, single submitter. Criteria: Invitae Variant Classification Sherloc (09022015). Collection method: clinical testing. Allele origin: germline.
Comment: This sequence change replaces aspartic acid, which is acidic and polar, with histidine, which is basic and polar, at codon 4091 of the RYR1 protein (p.Asp4091His). This variant is not present in population databases (gnomAD no frequency). This variant has not been reported in the literature in individuals affected with RYR1-related conditions. Invitae Evidence Modeling of protein sequence and biophysical properties (such as structural, functional, and spatial information, amino acid conservation, physicochemical variation, residue mobility, and thermodynamic stability) indicates that this missense variant is not expected to disrupt RYR1 protein function with a negative predictive value of 80%. In summary, the available evidence is currently insufficient to determine the role of this variant in disease. Therefore, it has been classified as a Variant of Uncertain Significance.